The following is an entry in ClinVar:

NM_000844.4(GRM7):c.1722C>T (p.Thr574=)

Gene: GRM7 (glutamate metabotropic receptor 7; plus strand). Cytogenetic location: 3p26.1.
Variant type: single nucleotide variant.
Coding change: c.1722C>T on transcript NM_000844.4 (MANE Select); coding-DNA position 1722, C replaced by T.
Protein change: p.Thr574=; no amino-acid change (threonine 574 retained).
Molecular consequence: synonymous variant.
Genome position (GRCh38, 1-based): chr3:7,578,628, C>T. VCF-style: chr3-7578628-C-T. GRCh37 (hg19) VCF-style: chr3-7620315-C-T.
Other names: c.1722C>T, p.Thr574= (NM_181874.3).
Identifiers: ClinVar variation 757374 (VCV000757374.37), dbSNP rs763131797, ClinGen allele CA2234975.
Genomic context (GRCh38, chr3:7,578,628, plus strand): 5'-GTTTGATGAGATGACATGCCAGCATTGCCCCTATGACCAGAGGCCCAATGAAAATCGAAC[C>T]GGATGCCAGGATATTCCCATCATCAAACTGGAGTGGCACTCCCCCTGGGCTGTGATTCCT-3'
Protein context (NP_000835.1, residues 564-584): PYDQRPNENR[Thr574=]GCQDIPIIKL

ClinVar aggregate classification (germline): Likely benign. Review status: criteria provided, multiple submitters, no conflicts (2 of 4 stars). 2 submissions from 2 submitters: Likely benign (2). Last evaluated 2023-08-04.

Allele frequency attached by ClinVar (database versions not stated): ExAC 0.00001; gnomAD 0.00001; gnomAD exomes 0.00002; TOPMed 0.00002.
gnomAD v4.1: 25 of 1,613,800 alleles (0.0015%); highest among the groups gnomAD compares: Middle Eastern, 0.016%; no homozygotes.

Submissions (2):

Labcorp Genetics (formerly Invitae), Labcorp
Classification: Likely benign. Last evaluated: 2023-08-04. Review status: criteria provided, single submitter. Criteria: Invitae Variant Classification Sherloc (09022015). Collection method: clinical testing. Allele origin: germline.

CeGaT Center for Human Genetics Tuebingen
Classification: Likely benign. Last evaluated: 2022-08-01. Review status: criteria provided, single submitter. Criteria: CeGaT Center For Human Genetics Tuebingen Variant Classification Criteria Version 2. Collection method: clinical testing. Allele origin: germline. Affected: yes. Observed: 1 variant allele.
Comment: GRM7: BP4, BP7